The following is an entry in ClinVar:

NC_000005.10:g.112707472A>T

Gene: APC (APC regulator of Wnt signaling pathway; plus strand). Cytogenetic location: 5q22.2.
Variant type: single nucleotide variant.
Genome position: GRCh38 VCF-style: chr5-112707472-A-T. GRCh37 (hg19) VCF-style: chr5-112043169-A-T.
Identifiers: ClinVar variation 4797375 (VCV004797375.1).
Genomic context (GRCh38, chr5:112,707,472, plus strand): 5'-AAGCGGAGCGCAGCACCCATTGCGCCTGCGCATAACAGGCTCTAGTCTCCGGGCTGTGGG[A>T]AGCCAGCAACACCTCTCACGCATGCGCATTGTAGTCTTCCCACCTCCCACAAGATGGCGG-3'

ClinVar aggregate classification (germline): Uncertain significance (1 of 4 stars; one submission).

Conditions:
Familial adenomatous polyposis 1 (FAP1). Also called: FAMILIAL ADENOMATOUS POLYPOSIS 1, ATTENUATED; POLYPOSIS, ADENOMATOUS INTESTINAL. Identifiers: MedGen C2713442, MONDO:0021056, OMIM 175100. Disease mechanism: loss of function.

Submission:

Labcorp Genetics (formerly Invitae), Labcorp
Classification: Uncertain significance for Familial adenomatous polyposis 1. Last evaluated: 2025-06-16. Review status: criteria provided, single submitter. Criteria: Invitae Variant Classification Sherloc (09022015). Collection method: clinical testing. Allele origin: germline.
Comment: This variant occurs in a non-coding region of the APC gene. It does not change the encoded amino acid sequence of the APC protein. This variant is not present in population databases (gnomAD no frequency). This variant has not been reported in the literature in individuals affected with APC-related conditions. Experimental studies and prediction algorithms are not available or were not evaluated, and the functional significance of this variant is currently unknown. In summary, the available evidence is currently insufficient to determine the role of this variant in disease. Therefore, it has been classified as a Variant of Uncertain Significance.